The following is an entry in ClinVar:

ClinVar aggregate classification (germline): Uncertain significance (1 of 4 stars; one submission).

Conditions:
Marfan syndrome (MFS). Also called: MARFAN SYNDROME, TYPE I; Marfan syndrome type 1; Marfan's syndrome; Marfan syndrome, classic; FBN1-Related Marfan Syndrome. Identifiers: Orphanet 284963, Orphanet 558, MedGen C0024796, MONDO:0007947, OMIM 154700.
Familial thoracic aortic aneurysm and aortic dissection (TAAD). Also called: Thoracic aortic aneurysms and dissections. Identifiers: Orphanet 91387, MedGen C4707243, MONDO:0019625.

Submission:

Labcorp Genetics (formerly Invitae), Labcorp
Classification: Uncertain significance for Marfan syndrome; Familial thoracic aortic aneurysm and aortic dissection. Last evaluated: 2023-10-23. Review status: criteria provided, single submitter. Criteria: Invitae Variant Classification Sherloc (09022015). Collection method: clinical testing. Allele origin: germline.
Comment: This sequence change falls in intron 47 of the FBN1 gene. It does not directly change the encoded amino acid sequence of the FBN1 protein. This variant is not present in population databases (gnomAD no frequency). This variant has been observed in individual(s) with clinical features of Marfan syndrome (Invitae). Algorithms developed to predict the effect of sequence changes on RNA splicing suggest that this variant may disrupt the consensus splice site. In summary, the available evidence is currently insufficient to determine the role of this variant in disease. Therefore, it has been classified as a Variant of Uncertain Significance.

NM_000138.5(FBN1):c.5789-11T>G

Gene: FBN1 (fibrillin 1; minus strand). Cytogenetic location: 15q21.1.
Variant type: single nucleotide variant.
Coding change: c.5789-11T>G on transcript NM_000138.5 (MANE Select); 11 bases into the intron before coding-DNA position 5789, T replaced by G.
Molecular consequence: intron variant.
Genome position (GRCh38, 1-based): chr15:48,445,515, A>C on the plus strand (T>G on the coding strand, the complement: FBN1 is on the minus strand). VCF-style: chr15-48445515-A-C. GRCh37 (hg19) VCF-style: chr15-48737712-A-C.
Other names: c.5789-11T>G (NM_001406716.1).
Identifiers: ClinVar variation 2953213 (VCV002953213.3), dbSNP rs2505455787, ClinGen allele CA2740096636.